The following is an entry in ClinVar:

ClinVar aggregate classification (germline): Conflicting classifications of pathogenicity. Review status: criteria provided, conflicting classifications (1 of 4 stars). 3 submissions from 3 submitters: Uncertain significance (2); Likely benign (1). Last evaluated 2025-02-16.

Allele frequency attached by ClinVar (database versions not stated): gnomAD 0.00001 and 0.00002; TOPMed 0.00003.
gnomAD v4.1: 10 of 1,209,528 alleles (0.00083%); highest among the groups gnomAD compares: Admixed American, 0.0065%; no homozygotes.

Submissions (3):

Laboratory of Genetics, Children's Clinical University Hospital Latvia
Classification: Likely benign. Last evaluated: 2025-02-16. Review status: criteria provided, single submitter. Criteria: ACMG Guidelines, 2015. Collection method: clinical testing. Allele origin: germline. Affected: yes.

Labcorp Genetics (formerly Invitae), Labcorp
Classification: Uncertain significance. Last evaluated: 2024-02-25. Review status: criteria provided, single submitter. Criteria: Invitae Variant Classification Sherloc (09022015). Collection method: clinical testing. Allele origin: germline.
Comment: This sequence change replaces threonine, which is neutral and polar, with methionine, which is neutral and non-polar, at codon 1995 of the HUWE1 protein (p.Thr1995Met). This variant is present in population databases (no rsID available, gnomAD 0.008%), including at least one homozygous and/or hemizygous individual. This variant has not been reported in the literature in individuals affected with HUWE1-related conditions. ClinVar contains an entry for this variant (Variation ID: 391259). Advanced modeling of protein sequence and biophysical properties (such as structural, functional, and spatial information, amino acid conservation, physicochemical variation, residue mobility, and thermodynamic stability) has been performed at Invitae for this missense variant, however the output from this modeling did not meet the statistical confidence thresholds required to predict the impact of this variant on HUWE1 protein function. In summary, the available evidence is currently insufficient to determine the role of this variant in disease. Therefore, it has been classified as a Variant of Uncertain Significance.

GeneDx
Classification: Uncertain significance. Last evaluated: 2016-12-16. Review status: criteria provided, single submitter. Criteria: GeneDx Variant Classification (06012015). Collection method: clinical testing. Allele origin: germline. Affected: yes.
Comment: The T1995M variant in the HUWE1 gene has not been reported previously as a pathogenic variant, nor as a benign variant, to our knowledge. The T1995M variant was not observed in approximately 6500 individuals of European and African American ancestry in the NHLBI Exome Sequencing Project, indicating it is not a common benign variant in these populations. The T1995M variant is a non-conservative amino acid substitution, which is likely to impact secondary protein structure as these residues differ in polarity, charge, size and/or other properties. This substitution occurs at a position that is conserved across species, however, in silico analysis is inconsistent in its predictions as to whether or not the variant is damaging to the protein structure/function. Therefore, we interpret T1995M as a variant of uncertain significance.

NM_031407.7(HUWE1):c.5984C>T (p.Thr1995Met)

Gene: HUWE1 (HECT, UBA and WWE domain containing E3 ubiquitin protein ligase 1; minus strand). Cytogenetic location: Xp11.22.
Variant type: single nucleotide variant.
Coding change: c.5984C>T on transcript NM_031407.7 (MANE Select); coding-DNA position 5984, C replaced by T.
Protein change: p.Thr1995Met; replaces threonine 1995 with methionine.
Molecular consequence: missense variant.
Genome position (GRCh38, 1-based): chrX:53,575,689, G>A on the plus strand (C>T on the coding strand, the complement: HUWE1 is on the minus strand). VCF-style: chrX-53575689-G-A. GRCh37 (hg19) VCF-style: chrX-53602649-G-A.
Other names: short protein forms T1995M.
Identifiers: ClinVar variation 391259 (VCV000391259.7), dbSNP rs916882897, ClinGen allele CA16609196.